The following is an entry in ClinVar:

ClinVar aggregate classification (germline): Benign. Review status: criteria provided, multiple submitters, no conflicts (2 of 4 stars). 11 submissions from 10 submitters: Benign (8). 3 of the submissions do not count toward it. Last evaluated 2026-02-04.

Conditions:
Ullrich congenital muscular dystrophy 1A. Also called: Ullrich congenital muscular dystrophy 1; Intermediate COL6-RD. Identifiers: Orphanet 75840, MedGen C0410179, MONDO:0009681, OMIM 254090.
Collagen 6-related myopathy. Identifiers: MedGen CN117976, MONDO:0100225.
Bethlem myopathy 1A. Also called: Bethlem myopathy 1; Bethlem Muscular Dystrophy; MYOPATHY, BENIGN CONGENITAL, WITH CONTRACTURES. Identifiers: Orphanet 610, MedGen CN029274, MONDO:0024530, OMIM 158810.

Allele frequency attached by ClinVar (database versions not stated): gnomAD 0.69697 and 0.69982; gnomAD exomes 0.75181; 1000 Genomes Project 0.69589; TOPMed 0.68889; ExAC 0.72150; 1000 Genomes Project 30x 0.69457.

Submissions (11):

Labcorp Genetics (formerly Invitae), Labcorp
Classification: Benign for Bethlem myopathy 1A. Last evaluated: 2026-02-04. Review status: criteria provided, single submitter. Criteria: Invitae Variant Classification Sherloc (09022015). Collection method: clinical testing. Allele origin: germline.

Genome-Nilou Lab
Classification: Benign for Bethlem myopathy 1A. Last evaluated: 2021-07-30. Review status: criteria provided, single submitter. Criteria: ACMG Guidelines, 2015. Collection method: clinical testing. Allele origin: germline. Affected: no.

Genome-Nilou Lab
Classification: Benign for Ullrich congenital muscular dystrophy 1A. Last evaluated: 2021-07-30. Review status: criteria provided, single submitter. Criteria: ACMG Guidelines, 2015. Collection method: clinical testing. Allele origin: germline. Affected: no.

Illumina Laboratory Services, Illumina
Classification: Benign for Collagen VI-related myopathy. Last evaluated: 2018-01-13. Review status: criteria provided, single submitter. Criteria: ICSL Variant Classification Criteria 13 December 2019. Collection method: clinical testing. Allele origin: germline.
Comment: This variant was observed in the ICSL laboratory as part of a predisposition screen in an ostensibly healthy population. It had not been previously curated by ICSL or reported in the Human Gene Mutation Database (HGMD: prior to June 1st, 2018), and was therefore a candidate for classification through an automated scoring system. Utilizing variant allele frequency, disease prevalence and penetrance estimates, and inheritance mode, an automated score was calculated to assess if this variant is too frequent to cause the disease. Based on the score and internal cut-off values, a variant classified as benign is not then subjected to further curation. The score for this variant resulted in a classification of benign for this disease.

PreventionGenetics, part of Exact Sciences
Classification: Benign. Last evaluated: 2016-04-15. Review status: criteria provided, single submitter. Criteria: ACMG Guidelines, 2015. Collection method: clinical testing. Allele origin: germline.

GeneDx
Classification: Benign. Last evaluated: 2016-01-25. Review status: criteria provided, single submitter. Criteria: GeneDx Variant Classification (06012015). Collection method: clinical testing. Allele origin: germline. Affected: yes.
Comment: This variant is considered likely benign or benign based on one or more of the following criteria: it is a conservative change, it occurs at a poorly conserved position in the protein, it is predicted to be benign by multiple in silico algorithms, and/or has population frequency not consistent with disease.

Eurofins Ntd Llc (ga)
Classification: Benign. Last evaluated: 2014-10-14. Review status: criteria provided, single submitter. Criteria: EGL Classification Definitions 2015. Collection method: clinical testing. Allele origin: germline. Observed: 84 variant alleles, 35 heterozygotes, 49 homozygotes.

Breakthrough Genomics
Classification: Benign. Review status: criteria provided, single submitter. Criteria: ACMG Guidelines, 2015. Collection method: not provided. Allele origin: germline. Inheritance: Autosomal recessive inheritance. Affected: yes.

Clinical Genetics, Academic Medical Center
Classification: Benign. Review status: no assertion criteria provided. Collection method: clinical testing. Allele origin: germline. Affected: yes. Study: VKGL Data-share Consensus. Not counted in ClinVar's aggregate classification.

Diagnostic Laboratory, Department of Genetics, University Medical Center Groningen
Classification: Benign. Review status: no assertion criteria provided. Collection method: clinical testing. Allele origin: germline. Affected: yes. Study: VKGL Data-share Consensus. Not counted in ClinVar's aggregate classification.

Joint Genome Diagnostic Labs from Nijmegen and Maastricht, Radboudumc and MUMC+
Classification: Benign. Review status: no assertion criteria provided. Collection method: clinical testing. Allele origin: germline. Affected: yes. Study: VKGL Data-share Consensus. Not counted in ClinVar's aggregate classification.

NM_001848.3(COL6A1):c.588+13C>A

Gene: COL6A1 (collagen type VI alpha 1 chain; plus strand). Cytogenetic location: 21q22.3.
Variant type: single nucleotide variant.
Coding change: c.588+13C>A on transcript NM_001848.3 (MANE Select); 13 bases into the intron after coding-DNA position 588, C replaced by A.
Molecular consequence: intron variant.
Genome position (GRCh38, 1-based): chr21:45,986,698, C>A. VCF-style: chr21-45986698-C-A. GRCh37 (hg19) VCF-style: chr21-47406612-C-A.
Identifiers: ClinVar variation 93879 (VCV000093879.27), dbSNP rs754507, ClinGen allele CA147410.